The following is an entry in ClinVar:

ClinVar aggregate classification (germline): Uncertain significance (1 of 4 stars; one submission).

Conditions:
Familial hypocalciuric hypercalcemia (FHH). Also called: Familial benign hypercalcemia. Identifiers: Orphanet 405, MedGen C1809471, MONDO:0018458.
Autosomal dominant hypocalcemia 1 (HYPOC1). Also called: HYPOCALCEMIA, FAMILIAL. Identifiers: MedGen C3715128, MONDO:0011013, OMIM 601198.

gnomAD v4.1: 3 of 1,614,066 alleles (0.00019%); highest among the groups gnomAD compares: Non-Finnish European, 0.00025%; no homozygotes.

Submission:

Labcorp Genetics (formerly Invitae), Labcorp
Classification: Uncertain significance for Familial hypocalciuric hypercalcemia; Autosomal dominant hypocalcemia 1. Last evaluated: 2022-09-27. Review status: criteria provided, single submitter. Criteria: Invitae Variant Classification Sherloc (09022015). Collection method: clinical testing. Allele origin: germline.
Comment: In summary, the available evidence is currently insufficient to determine the role of this variant in disease. Therefore, it has been classified as a Variant of Uncertain Significance. Algorithms developed to predict the effect of missense changes on protein structure and function (SIFT, PolyPhen-2, Align-GVGD) all suggest that this variant is likely to be disruptive. This variant has not been reported in the literature in individuals affected with CASR-related conditions. This variant is not present in population databases (gnomAD no frequency). This sequence change replaces glycine, which is neutral and non-polar, with cysteine, which is neutral and slightly polar, at codon 778 of the CASR protein (p.Gly778Cys).

NM_000388.4(CASR):c.2332G>T (p.Gly778Cys)

Gene: CASR (calcium sensing receptor; plus strand). Cytogenetic location: 3q21.1.
Variant type: single nucleotide variant.
Coding change: c.2332G>T on transcript NM_000388.4 (MANE Select); coding-DNA position 2332, G replaced by T.
Protein change: p.Gly778Cys; replaces glycine 778 with cysteine.
Molecular consequence: missense variant.
Genome position (GRCh38, 1-based): chr3:122,284,286, G>T. VCF-style: chr3-122284286-G-T. GRCh37 (hg19) VCF-style: chr3-122003133-G-T.
Other names: c.2362G>T, p.Gly788Cys (NM_001178065.2); short protein forms G778C, G788C.
Identifiers: ClinVar variation 1720247 (VCV001720247.6), dbSNP rs1479933693, ClinGen allele CA354159550.